The following is an entry in ClinVar:

NM_015214.3(DDHD2):c.1448T>C (p.Val483Ala)

Gene: DDHD2 (DDHD domain containing 2; plus strand). Cytogenetic location: 8p11.23.
Variant type: single nucleotide variant.
Coding change: c.1448T>C on transcript NM_015214.3 (MANE Select); coding-DNA position 1448, T replaced by C.
Protein change: p.Val483Ala; replaces valine 483 with alanine.
Molecular consequence: missense variant. On other transcripts: non-coding transcript variant (2).
Genome position (GRCh38, 1-based): chr8:38,252,015, T>C. VCF-style: chr8-38252015-T-C. GRCh37 (hg19) VCF-style: chr8-38109533-T-C.
Other names: c.1448T>C, p.Val483Ala (NM_001164232.2, NM_001362911.2, NM_001362912.2 and 1 more transcripts); c.1358T>C, p.Val453Ala (NM_001362913.2); short protein forms V453A, V483A.
Identifiers: ClinVar variation 1337252 (VCV001337252.5), dbSNP rs1258523026, ClinGen allele CA370691321.

ClinVar aggregate classification (germline): Uncertain significance. Review status: criteria provided, multiple submitters, no conflicts (2 of 4 stars). 2 submissions from 2 submitters: Uncertain significance (2). Last evaluated 2022-05-25.

Conditions:
Hereditary spastic paraplegia 54. Also called: Spastic paraplegia 54, autosomal recessive. Identifiers: Orphanet 320380, MedGen C3539495, MONDO:0014018, OMIM 615033.

Allele frequency attached by ClinVar (database versions not stated): gnomAD exomes below 0.00001; gnomAD 0.00001; TOPMed 0.00001.
gnomAD v4.1: 6 of 1,613,684 alleles (0.00037%); highest among the groups gnomAD compares: Non-Finnish European, 0.00051%; no homozygotes.

Submissions (2):

Labcorp Genetics (formerly Invitae), Labcorp
Classification: Uncertain significance for Hereditary spastic paraplegia 54. Last evaluated: 2022-05-25. Review status: criteria provided, single submitter. Criteria: Invitae Variant Classification Sherloc (09022015). Collection method: clinical testing. Allele origin: germline.
Comment: This sequence change replaces valine, which is neutral and non-polar, with alanine, which is neutral and non-polar, at codon 483 of the DDHD2 protein (p.Val483Ala). This variant is not present in population databases (gnomAD no frequency). This variant has not been reported in the literature in individuals affected with DDHD2-related conditions. ClinVar contains an entry for this variant (Variation ID: 1337252). Algorithms developed to predict the effect of missense changes on protein structure and function are either unavailable or do not agree on the potential impact of this missense change (SIFT: "Deleterious"; PolyPhen-2: "Possibly Damaging"; Align-GVGD: "Class C0"). In summary, the available evidence is currently insufficient to determine the role of this variant in disease. Therefore, it has been classified as a Variant of Uncertain Significance.

Genetic Services Laboratory, University of Chicago
Classification: Uncertain significance. Last evaluated: 2019-06-25. Review status: criteria provided, single submitter. Criteria: ACMG Guidelines, 2015. Collection method: clinical testing. Allele origin: germline. Affected: no.